The following is an entry in ClinVar:

ClinVar aggregate classification (germline): Uncertain significance (1 of 4 stars; one submission).

Submission:

Labcorp Genetics (formerly Invitae), Labcorp
Classification: Uncertain significance. Last evaluated: 2025-01-24. Review status: criteria provided, single submitter. Criteria: Invitae Variant Classification Sherloc (09022015). Collection method: clinical testing. Allele origin: germline.
Comment: This variant, c.29_31del, results in the deletion of 1 amino acid(s) of the TGFB1 protein (p.Pro10del), but otherwise preserves the integrity of the reading frame. The frequency data for this variant in the population databases is considered unreliable, as metrics indicate poor data quality at this position in the gnomAD database. This variant has not been reported in the literature in individuals affected with TGFB1-related conditions. Experimental studies and prediction algorithms are not available or were not evaluated, and the functional significance of this variant is currently unknown. In summary, the available evidence is currently insufficient to determine the role of this variant in disease. Therefore, it has been classified as a Variant of Uncertain Significance.

NM_000660.7(TGFB1):c.29_31del (p.Pro10del)

Gene: TGFB1 (transforming growth factor beta 1; minus strand). Cytogenetic location: 19q13.2.
Variant type: Deletion.
Coding change: c.29_31del on transcript NM_000660.7 (MANE Select); coding-DNA positions 29 to 31, 3 bases deleted (CGC; older notation c.29_31delCGC).
Protein change: p.Pro10del; deletes proline 10.
Molecular consequence: inframe deletion.
Genome position (GRCh38, 1-based): chr19:41,353,014-41,353,016, GCG deleted on the plus strand (CGC on the coding strand, the reverse complement: TGFB1 is on the minus strand); deleting any 3 consecutive bases within chr19:41,353,014-41,353,018 gives the same sequence; the c. name uses the placement nearest the transcript's 3' end. VCF-style (leftmost placement, unchanged base first): chr19-41353013-AGCG-A. GRCh37 (hg19) VCF-style: chr19-41858918-AGCG-A.
Other names: short protein forms P10del.
Identifiers: ClinVar variation 3613638 (VCV003613638.2).